The following is an entry in ClinVar:

NM_002234.4(KCNA5):c.416C>T (p.Ala139Val)

Gene: KCNA5 (potassium voltage-gated channel subfamily A member 5; plus strand). Cytogenetic location: 12p13.32.
Variant type: single nucleotide variant.
Coding change: c.416C>T on transcript NM_002234.4 (MANE Select); coding-DNA position 416, C replaced by T.
Protein change: p.Ala139Val; replaces alanine 139 with valine.
Molecular consequence: missense variant.
Genome position (GRCh38, 1-based): chr12:5,044,563, C>T. VCF-style: chr12-5044563-C-T. GRCh37 (hg19) VCF-style: chr12-5153729-C-T.
Other names: short protein forms A139V.
Identifiers: ClinVar variation 2082358 (VCV002082358.4), dbSNP rs1351785009, ClinGen allele CA383464388.
Genomic context (GRCh38, chr12:5,044,563, plus strand): 5'-ACCAGCGCGTCCACATCAACATCTCCGGGCTGCGCTTTGAGACGCAGCTGGGCACCCTGG[C>T]GCAGTTCCCCAACACACTCCTGGGGGACCCCGCCAAGCGCCTGCGCTACTTCGACCCCCT-3'
Protein context (NP_002225.2, residues 129-149): LRFETQLGTL[Ala139Val]QFPNTLLGDP

ClinVar aggregate classification (germline): Uncertain significance (1 of 4 stars; one submission).

Conditions:
Atrial fibrillation, familial, 7 (ATFB7). Identifiers: MedGen C2677106, MONDO:0012828, OMIM 612240.

gnomAD v4.1: 5 of 1,613,958 alleles (0.00031%); highest among the groups gnomAD compares: African/African-American, 0.0053%; no homozygotes.

Submission:

Labcorp Genetics (formerly Invitae), Labcorp
Classification: Uncertain significance for Atrial fibrillation, familial, 7. Last evaluated: 2022-04-28. Review status: criteria provided, single submitter. Criteria: Invitae Variant Classification Sherloc (09022015). Collection method: clinical testing. Allele origin: germline.
Comment: This sequence change replaces alanine, which is neutral and non-polar, with valine, which is neutral and non-polar, at codon 139 of the KCNA5 protein (p.Ala139Val). This variant is not present in population databases (gnomAD no frequency). This variant has not been reported in the literature in individuals affected with KCNA5-related conditions. Algorithms developed to predict the effect of missense changes on protein structure and function are either unavailable or do not agree on the potential impact of this missense change (SIFT: "Tolerated"; PolyPhen-2: "Possibly Damaging"; Align-GVGD: "Class C0"). In summary, the available evidence is currently insufficient to determine the role of this variant in disease. Therefore, it has been classified as a Variant of Uncertain Significance.